The following is an entry in ClinVar:

NM_001184.4(ATR):c.1693A>G (p.Lys565Glu)

Gene: ATR (ATR checkpoint kinase; minus strand). Cytogenetic location: 3q23.
Variant type: single nucleotide variant.
Coding change: c.1693A>G on transcript NM_001184.4 (MANE Select); coding-DNA position 1693, A replaced by G.
Protein change: p.Lys565Glu; replaces lysine 565 with glutamic acid.
Molecular consequence: missense variant.
Genome position (GRCh38, 1-based): chr3:142,559,290, T>C on the plus strand (A>G on the coding strand, the complement: ATR is on the minus strand). VCF-style: chr3-142559290-T-C. GRCh37 (hg19) VCF-style: chr3-142278132-T-C.
Other names: c.1501A>G, p.Lys501Glu (NM_001354579.2); short protein forms K501E, K565E.
Identifiers: ClinVar variation 1778175 (VCV001778175.3), dbSNP rs1481616236, ClinGen allele CA354821909.

ClinVar aggregate classification (germline): Uncertain significance (1 of 4 stars; one submission).

Conditions:
Inborn genetic diseases. Identifiers: MedGen C0950123, MeSH D030342.

Allele frequency attached by ClinVar (database versions not stated): TOPMed below 0.00001; gnomAD exomes 0.00001.
gnomAD v4.1: 4 of 1,614,024 alleles (0.00025%); highest among the groups gnomAD compares: East Asian, 0.0022%; no homozygotes.

Submission:

Ambry Genetics
Classification: Uncertain significance for Inborn genetic diseases. Last evaluated: 2024-05-18. Review status: criteria provided, single submitter. Criteria: Ambry Variant Classification Scheme 2023. Collection method: clinical testing. Allele origin: germline.
Comment: The p.K565E variant (also known as c.1693A>G), located in coding exon 7 of the ATR gene, results from an A to G substitution at nucleotide position 1693. The lysine at codon 565 is replaced by glutamic acid, an amino acid with similar properties. This amino acid position is conserved. In addition, this alteration is predicted to be tolerated by in silico analysis. Since supporting evidence is limited at this time, the clinical significance of this alteration remains unclear.